The following is an entry in ClinVar:

ClinVar aggregate classification (germline): Uncertain significance (1 of 4 stars; one submission).

Conditions:
Joubert syndrome 20 (JBTS20). Identifiers: Orphanet 475, MedGen C3554235, MONDO:0013994, OMIM 614970.
Meckel syndrome, type 11 (MKS11). Identifiers: Orphanet 564, MedGen C3809352, MONDO:0014164, OMIM 615397.

Allele frequency attached by ClinVar (database versions not stated): TOPMed below 0.00001.

Submission:

Labcorp Genetics (formerly Invitae), Labcorp
Classification: Uncertain significance for Joubert syndrome 20; Meckel syndrome, type 11. Last evaluated: 2022-04-09. Review status: criteria provided, single submitter. Criteria: Invitae Variant Classification Sherloc (09022015). Collection method: clinical testing. Allele origin: germline.
Comment: In summary, the available evidence is currently insufficient to determine the role of this variant in disease. Therefore, it has been classified as a Variant of Uncertain Significance. Algorithms developed to predict the effect of sequence changes on RNA splicing suggest that this variant may disrupt the consensus splice site. Algorithms developed to predict the effect of missense changes on protein structure and function are either unavailable or do not agree on the potential impact of this missense change (SIFT: "Tolerated"; PolyPhen-2: "Not Available"; Align-GVGD: "Class C0"). This variant has not been reported in the literature in individuals affected with TMEM231-related conditions. This variant is not present in population databases (gnomAD no frequency). This sequence change replaces asparagine, which is neutral and polar, with serine, which is neutral and polar, at codon 274 of the TMEM231 protein (p.Asn274Ser).

NM_001077418.3(TMEM231):c.662A>G (p.Asn221Ser)

Gene: TMEM231 (transmembrane protein 231; minus strand). Cytogenetic location: 16q23.1.
Variant type: single nucleotide variant.
Coding change: c.662A>G on transcript NM_001077418.3 (MANE Select); coding-DNA position 662, A replaced by G.
Protein change: p.Asn221Ser; replaces asparagine 221 with serine.
Molecular consequence: missense variant. On other transcripts: non-coding transcript variant (1).
Genome position (GRCh38, 1-based): chr16:75,542,604, T>C on the plus strand (A>G on the coding strand, the complement: TMEM231 is on the minus strand). VCF-style: chr16-75542604-T-C. GRCh37 (hg19) VCF-style: chr16-75576502-T-C.
Other names: c.821A>G, p.Asn274Ser (NM_001077416.2); short protein forms N274S, N221S.
Identifiers: ClinVar variation 2123648 (VCV002123648.4), dbSNP rs2080639441, ClinGen allele CA396804628.
Genomic context (GRCh38, chr16:75,542,604, plus strand): 5'-CCCCCACTAACCTTGAAAGTCCTGAGCAGCGGCTGAATGGGCTCTACCTGTGACTCACCG[T>C]TCCTCTCCTGGTAGGCAGCAACAATATGGGTGAGGTCGTAGTCATAGGCAAAGGGGCTGG-3'
Protein context (NP_001070886.1, residues 211-231): THIVAAYQER[Asn221Ser]VTTVLNDPNP